The following is an entry in ClinVar:

ClinVar aggregate classification (germline): Conflicting classifications of pathogenicity. Review status: criteria provided, conflicting classifications (1 of 4 stars). 4 submissions from 4 submitters: Uncertain significance (3); Likely benign (1). Last evaluated 2025-08-20.

Conditions:
Renal cell carcinoma. Identifiers: Orphanet 217071, MedGen C0007134, MeSH D002292, MONDO:0005086, HP:0005584.
Autosomal recessive nonsyndromic hearing loss 97. Also called: Deafness, autosomal recessive 97. Identifiers: Orphanet 90636, MedGen C4084709, MONDO:0014739, OMIM 616705.
Hereditary cancer-predisposing syndrome. Also called: Neoplastic Syndromes, Hereditary; Hereditary Cancer Syndrome; Tumor predisposition; Hereditary neoplastic syndrome. Identifiers: Orphanet 140162, MedGen C0027672, MeSH D009386, MONDO:0015356.
Papillary renal cell carcinoma type 1 (RCCP1). Also called: Renal adenocarcinoma; Renal cell carcinoma 1; Renal cell carcinoma, somatic; RENAL CELL CARCINOMA, PAPILLARY, 1, SOMATIC. Identifiers: Orphanet 47044, MedGen C1336839, OMIM 605074, HP:0011797.

Allele frequency attached by ClinVar (database versions not stated): gnomAD 0.00001; gnomAD exomes 0.00001; TOPMed 0.00002.
gnomAD v4.1: 16 of 1,613,926 alleles (0.00099%); highest among the groups gnomAD compares: Non-Finnish European, 0.0013%; no homozygotes.

Submissions (4):

Labcorp Genetics (formerly Invitae), Labcorp
Classification: Uncertain significance for Renal cell carcinoma. Last evaluated: 2025-08-20. Review status: criteria provided, single submitter. Criteria: Invitae Variant Classification Sherloc (09022015). Collection method: clinical testing. Allele origin: germline.
Comment: This sequence change replaces valine, which is neutral and non-polar, with alanine, which is neutral and non-polar, at codon 72 of the MET protein (p.Val72Ala). This variant is not present in population databases (gnomAD no frequency). This variant has not been reported in the literature in individuals affected with MET-related conditions. ClinVar contains an entry for this variant (Variation ID: 584705). Invitae Evidence Modeling of protein sequence and biophysical properties (such as structural, functional, and spatial information, amino acid conservation, physicochemical variation, residue mobility, and thermodynamic stability) indicates that this missense variant is not expected to disrupt MET protein function with a negative predictive value of 80%. In summary, the available evidence is currently insufficient to determine the role of this variant in disease. Therefore, it has been classified as a Variant of Uncertain Significance.

Ambry Genetics
Classification: Likely benign for Hereditary cancer-predisposing syndrome. Last evaluated: 2025-02-11. Review status: criteria provided, single submitter. Criteria: Ambry Variant Classification Scheme 2023. Collection method: clinical testing. Allele origin: germline.

Baylor Genetics
Classification: Uncertain significance for Autosomal recessive nonsyndromic hearing loss 97. Last evaluated: 2023-07-12. Review status: criteria provided, single submitter. Criteria: ACMG Guidelines, 2015. Collection method: clinical testing. Allele origin: unknown.

Mendelics
Classification: Uncertain significance for Renal cell carcinoma, papillary, 1. Last evaluated: 2018-07-02. Review status: criteria provided, single submitter. Criteria: Mendelics Assertion Criteria 2017. Collection method: clinical testing. Allele origin: unknown.

NM_000245.4(MET):c.215T>C (p.Val72Ala)

Gene: MET (MET proto-oncogene, receptor tyrosine kinase; plus strand). Cytogenetic location: 7q31.2.
Variant type: single nucleotide variant.
Coding change: c.215T>C on transcript NM_000245.4 (MANE Select); coding-DNA position 215, T replaced by C.
Protein change: p.Val72Ala; replaces valine 72 with alanine.
Molecular consequence: missense variant. On other transcripts: intron variant (1).
Genome position (GRCh38, 1-based): chr7:116,699,299, T>C. VCF-style: chr7-116699299-T-C. GRCh37 (hg19) VCF-style: chr7-116339353-T-C.
Other names: c.215T>C, p.Val72Ala (NM_001127500.3, NM_001324401.3); c.-91+26722T>C (NM_001324402.2); short protein forms V72A.
Identifiers: ClinVar variation 584705 (VCV000584705.18), dbSNP rs973796037, ClinGen allele CA164887979.